The following is an entry in ClinVar:

NM_003640.5(ELP1):c.959-1G>A

Gene: ELP1 (elongator acetyltransferase complex subunit 1; minus strand). Cytogenetic location: 9q31.3.
Variant type: single nucleotide variant.
Coding change: c.959-1G>A on transcript NM_003640.5 (MANE Select); the canonical splice acceptor site of the intron before coding-DNA position 959, G replaced by A.
Molecular consequence: splice acceptor variant.
Genome position (GRCh38, 1-based): chr9:108,912,495, C>T on the plus strand (G>A on the coding strand, the complement: ELP1 is on the minus strand). VCF-style: chr9-108912495-C-T. GRCh37 (hg19) VCF-style: chr9-111674775-C-T.
Other names: c.617-1G>A (NM_001318360.2); c.-89-1G>A (NM_001330749.2).
Identifiers: ClinVar variation 1067358 (VCV001067358.9), dbSNP rs2132017099, ClinGen allele CA374429725.
Genomic context (GRCh38, chr9:108,912,495, plus strand): 5'-TGCTGAAGGATAAACTTTGCTTGAGATACCAGTGATAGTTTCCAACAGTCCAGAGCTGAA[C>T]TGCAAGGGAAAATGAAAAGAAGGCCGTTAGAGGCTGGGAAGCAGACTTCATCCCACTTGC-3'

ClinVar aggregate classification (germline): Likely pathogenic. Review status: criteria provided, single submitter (1 of 4 stars). 2 submissions from 2 submitters: Likely pathogenic (1). 1 of the submissions does not count toward it. Last evaluated 2020-02-06.

Conditions:
Familial dysautonomia. Also called: HSAN III; FD. Identifiers: Orphanet 1764, MedGen C0013364, MONDO:0009131, OMIM 223900. Disease mechanism: loss of function.

Submissions (2):

Labcorp Genetics (formerly Invitae), Labcorp
Classification: Likely pathogenic. Last evaluated: 2020-02-06. Review status: criteria provided, single submitter. Criteria: Invitae Variant Classification Sherloc (09022015). Collection method: clinical testing. Allele origin: germline.
Comment: In summary, the currently available evidence indicates that the variant is pathogenic, but additional data are needed to prove that conclusively. Therefore, this variant has been classified as Likely Pathogenic. Donor and acceptor splice site variants typically lead to a loss of protein function (PMID: 16199547), and loss-of-function variants in ELP1 are known to be pathogenic (PMID: 18303054, 24173031). Algorithms developed to predict the effect of sequence changes on RNA splicing suggest that this variant may disrupt the consensus splice site, but this prediction has not been confirmed by published transcriptional studies. This variant has not been reported in the literature in individuals with ELP1-related conditions. This variant is not present in population databases (ExAC no frequency). This sequence change affects an acceptor splice site in intron 10 of the ELP1 gene. It is expected to disrupt RNA splicing and likely results in an absent or disrupted protein product.

Natera, Inc.
Classification: Likely pathogenic for Familial dysautonomia. Last evaluated: 2020-09-02. Review status: no assertion criteria provided. Collection method: clinical testing. Allele origin: germline. Not counted in ClinVar's aggregate classification.

Literature cited by the submitters: PubMed 16199547 (cited by Labcorp Genetics (formerly Invitae), Labcorp); PubMed 18303054 (cited by Labcorp Genetics (formerly Invitae), Labcorp); PubMed 24173031 (cited by Labcorp Genetics (formerly Invitae), Labcorp).